The following is an entry in ClinVar:

NM_001759.4(CCND2):c.570C>G (p.Thr190=)

Gene: CCND2 (cyclin D2; plus strand). Cytogenetic location: 12p13.32.
Variant type: single nucleotide variant.
Coding change: c.570C>G on transcript NM_001759.4 (MANE Select); coding-DNA position 570, C replaced by G.
Protein change: p.Thr190=; no amino-acid change (threonine 190 retained).
Molecular consequence: synonymous variant.
Genome position (GRCh38, 1-based): chr12:4,278,918, C>G. VCF-style: chr12-4278918-C-G. GRCh37 (hg19) VCF-style: chr12-4388084-C-G.
Identifiers: ClinVar variation 380772 (VCV000380772.14), dbSNP rs3217805, ClinGen allele CA6395259.

ClinVar aggregate classification (germline): Benign. Review status: criteria provided, multiple submitters, no conflicts (2 of 4 stars). 5 submissions from 5 submitters: Benign (5). Last evaluated 2026-02-04.

Conditions:
Megalencephaly-polymicrogyria-polydactyly-hydrocephalus syndrome 3 (MPPH3). Identifiers: Orphanet 83473, MedGen C4014742, MONDO:0014408, OMIM 615938.

Allele frequency attached by ClinVar (database versions not stated): 1000 Genomes Project 0.21985; 1000 Genomes Project 30x 0.22408; TOPMed 0.30564; gnomAD 0.31575; ESP Exome Variant Server 0.32631.
gnomAD v4.1: 590,807 of 1,608,466 alleles (37%); highest among the groups gnomAD compares: Non-Finnish European, 40%; 112,564 homozygotes.

Submissions (5):

Labcorp Genetics (formerly Invitae), Labcorp
Classification: Benign. Last evaluated: 2026-02-04. Review status: criteria provided, single submitter. Criteria: Invitae Variant Classification Sherloc (09022015). Collection method: clinical testing. Allele origin: germline.

Blueprint Genetics
Classification: Benign. Last evaluated: 2024-11-27. Review status: criteria provided, single submitter. Criteria: ACMG Guidelines, 2015. Collection method: clinical testing. Allele origin: germline.

Genome-Nilou Lab
Classification: Benign for Megalencephaly-polymicrogyria-polydactyly-hydrocephalus syndrome 3. Last evaluated: 2021-07-14. Review status: criteria provided, single submitter. Criteria: ACMG Guidelines, 2015. Collection method: clinical testing. Allele origin: germline. Affected: no.

GeneDx
Classification: Benign. Last evaluated: 2016-01-19. Review status: criteria provided, single submitter. Criteria: GeneDx Variant Classification (06012015). Collection method: clinical testing. Allele origin: germline. Affected: yes.
Comment: This variant is considered likely benign or benign based on one or more of the following criteria: it is a conservative change, it occurs at a poorly conserved position in the protein, it is predicted to be benign by multiple in silico algorithms, and/or has population frequency not consistent with disease.

Breakthrough Genomics
Classification: Benign. Review status: criteria provided, single submitter. Criteria: ACMG Guidelines, 2015. Collection method: not provided. Allele origin: germline. Inheritance: Autosomal dominant inheritance. Affected: yes.